The following is an entry in ClinVar:

NM_153460.4(IL17RC):c.320G>A (p.Gly107Glu)

Gene: IL17RC (interleukin 17 receptor C; plus strand). Cytogenetic location: 3p25.3.
Variant type: single nucleotide variant.
Coding change: c.320G>A on transcript NM_153460.4 (MANE Select); coding-DNA position 320, G replaced by A.
Protein change: p.Gly107Glu; replaces glycine 107 with glutamic acid.
Molecular consequence: missense variant. On other transcripts: non-coding transcript variant (1), intron variant (1).
Genome position (GRCh38, 1-based): chr3:9,918,374, G>A. VCF-style: chr3-9918374-G-A. GRCh37 (hg19) VCF-style: chr3-9960058-G-A.
Other names: c.320G>A, p.Gly107Glu (NM_001203263.2, NM_001203264.2, NM_001203265.2 and 4 more transcripts); c.533G>A, p.Gly178Glu (NM_153461.4); c.281-126G>A (NM_001367279.1); short protein forms G107E, G178E.
Identifiers: ClinVar variation 3700746 (VCV003700746.2).

ClinVar aggregate classification (germline): Uncertain significance (1 of 4 stars; one submission).

Conditions:
Candidiasis, familial, 9 (CANDF9). Identifiers: Orphanet 1334, MedGen C4225324, MONDO:0014642, OMIM 616445.

gnomAD v4.1: 9 of 1,606,832 alleles (0.00056%); highest among the groups gnomAD compares: Non-Finnish European, 0.00076%; no homozygotes.

Submission:

Labcorp Genetics (formerly Invitae), Labcorp
Classification: Uncertain significance for Candidiasis, familial, 9. Last evaluated: 2024-03-14. Review status: criteria provided, single submitter. Criteria: Invitae Variant Classification Sherloc (09022015). Collection method: clinical testing. Allele origin: germline.
Comment: This sequence change replaces glycine, which is neutral and non-polar, with glutamic acid, which is acidic and polar, at codon 178 of the IL17RC protein (p.Gly178Glu). This variant is present in population databases (no rsID available, gnomAD 0.007%). This variant has not been reported in the literature in individuals affected with IL17RC-related conditions. Algorithms developed to predict the effect of missense changes on protein structure and function output the following: SIFT: "Not Available"; PolyPhen-2: "Benign"; Align-GVGD: "Not Available". The glutamic acid amino acid residue is found in multiple mammalian species, which suggests that this missense change does not adversely affect protein function. In summary, the available evidence is currently insufficient to determine the role of this variant in disease. Therefore, it has been classified as a Variant of Uncertain Significance.